The following is an entry in ClinVar:

NM_001367721.1(CASK):c.916-1G>A

Gene: CASK (calcium/calmodulin dependent serine protein kinase; minus strand). Cytogenetic location: Xp11.4.
Variant type: single nucleotide variant.
Coding change: c.916-1G>A on transcript NM_001367721.1 (MANE Select); the canonical splice acceptor site of the intron before coding-DNA position 916, G replaced by A.
Molecular consequence: splice acceptor variant.
Genome position (GRCh38, 1-based): chrX:41,626,704, C>T on the plus strand (G>A on the coding strand, the complement: CASK is on the minus strand). VCF-style: chrX-41626704-C-T. GRCh37 (hg19) VCF-style: chrX-41485957-C-T.
Other names: c.916-1G>A (NM_001126055.3, NM_001410745.1, NM_001126054.3 and 1 more transcripts).
Identifiers: ClinVar variation 930346 (VCV000930346.4), dbSNP rs2066382876, ClinGen allele CA412994124.

ClinVar aggregate classification (germline): Pathogenic (1 of 4 stars; one submission).

Conditions:
FG syndrome 4 (FGS4). Identifiers: MedGen C1845546, MONDO:0010318, OMIM 300422.

Submission:

Centre for Mendelian Genomics, University Medical Centre Ljubljana
Classification: Pathogenic for FG syndrome 4. Last evaluated: 2018-11-23. Review status: criteria provided, single submitter. Criteria: ACMG Guidelines, 2015. Collection method: clinical testing. Allele origin: unknown. Affected: yes.
Comment: This variant was classified as: Pathogenic. The following ACMG criteria were applied in classifying this variant: PVS1,PM2,PP3,PP4. This variant was detected in hemizygous state.